The following is an entry in ClinVar:

ClinVar aggregate classification (germline): Uncertain significance. Review status: criteria provided, multiple submitters, no conflicts (2 of 4 stars). 3 submissions from 3 submitters: Uncertain significance (3). Last evaluated 2025-07-22.

Conditions:
Cohen syndrome (COH1). Also called: Cutis verticis gyrata, retinitis pigmentosa, and sensorineural deafness; PEPPER SYNDROME. Identifiers: Orphanet 193, MedGen C0265223, MONDO:0008999, OMIM 216550.
VPS13B-related disorder. Also called: VPS13B-related condition.
Inborn genetic diseases. Identifiers: MedGen C0950123, MeSH D030342.

Allele frequency attached by ClinVar (database versions not stated): ExAC 0.00001; gnomAD 0.00001; TOPMed 0.00001; gnomAD exomes 0.00002.
gnomAD v4.1: 28 of 1,614,044 alleles (0.0017%); highest among the groups gnomAD compares: Non-Finnish European, 0.0023%; no homozygotes.

Submissions (3):

PreventionGenetics, part of Exact Sciences
Classification: Uncertain significance for VPS13B-related condition. Last evaluated: 2025-07-22. Review status: criteria provided, single submitter. Criteria: ACMG Guidelines, 2015. Collection method: clinical testing. Allele origin: germline.
Comment: The VPS13B c.1189G>T variant is predicted to result in the amino acid substitution p.Ala397Ser. To our knowledge, this variant has not been reported in the literature. This variant is reported in 0.0016% of alleles in individuals of European (Non-Finnish) descent in gnomAD. At this time, the clinical significance of this variant is uncertain due to the absence of conclusive functional and genetic evidence.

Ambry Genetics
Classification: Uncertain significance for Inborn genetic diseases. Last evaluated: 2023-12-15. Review status: criteria provided, single submitter. Criteria: Ambry Variant Classification Scheme 2023. Collection method: clinical testing. Allele origin: germline.

Labcorp Genetics (formerly Invitae), Labcorp
Classification: Uncertain significance for Cohen syndrome. Last evaluated: 2022-11-01. Review status: criteria provided, single submitter. Criteria: Invitae Variant Classification Sherloc (09022015). Collection method: clinical testing. Allele origin: germline.
Comment: This sequence change replaces alanine, which is neutral and non-polar, with serine, which is neutral and polar, at codon 397 of the VPS13B protein (p.Ala397Ser). This variant is present in population databases (rs763839770, gnomAD 0.002%). This variant has not been reported in the literature in individuals affected with VPS13B-related conditions. Advanced modeling of protein sequence and biophysical properties (such as structural, functional, and spatial information, amino acid conservation, physicochemical variation, residue mobility, and thermodynamic stability) performed at Invitae indicates that this missense variant is expected to disrupt VPS13B protein function. In summary, the available evidence is currently insufficient to determine the role of this variant in disease. Therefore, it has been classified as a Variant of Uncertain Significance.

NM_152564.5(VPS13B):c.1189G>T (p.Ala397Ser)

Gene: VPS13B (vacuolar protein sorting 13 homolog B; plus strand). Cytogenetic location: 8q22.2.
Variant type: single nucleotide variant.
Coding change: c.1189G>T on transcript NM_152564.5 (MANE Select); coding-DNA position 1189, G replaced by T.
Protein change: p.Ala397Ser; replaces alanine 397 with serine.
Molecular consequence: missense variant. On other transcripts: non-coding transcript variant (1).
Genome position (GRCh38, 1-based): chr8:99,121,428, G>T. VCF-style: chr8-99121428-G-T. GRCh37 (hg19) VCF-style: chr8-100133656-G-T.
Other names: c.1189G>T, p.Ala397Ser (NM_015243.3, NM_017890.5, NM_181661.3); c.1189G>T (NM_017890.3); short protein forms A397S.
Identifiers: ClinVar variation 2068009 (VCV002068009.4), dbSNP rs763839770, ClinGen allele CA4822556.